The following is an entry in ClinVar:

NM_003640.5(ELP1):c.2134C>T (p.Pro712Ser)

Gene: ELP1 (elongator acetyltransferase complex subunit 1; minus strand). Cytogenetic location: 9q31.3.
Variant type: single nucleotide variant.
Coding change: c.2134C>T on transcript NM_003640.5 (MANE Select); coding-DNA position 2134, C replaced by T.
Protein change: p.Pro712Ser; replaces proline 712 with serine.
Molecular consequence: missense variant.
Genome position (GRCh38, 1-based): chr9:108,899,892, G>A on the plus strand (C>T on the coding strand, the complement: ELP1 is on the minus strand). VCF-style: chr9-108899892-G-A. GRCh37 (hg19) VCF-style: chr9-111662172-G-A.
Other names: c.2134C>T (LRG_251t1); c.1792C>T, p.Pro598Ser (NM_001318360.2); c.1087C>T, p.Pro363Ser (NM_001330749.2); short protein forms P712S, P598S, P363S.
Identifiers: ClinVar variation 572554 (VCV000572554.9), dbSNP rs370772658, ClinGen allele CA197536699.
Genomic context (GRCh38, chr9:108,899,892, plus strand): 5'-ACTTCCGAATCTGAGCTAAAACCAGGGCTCGATGATGAACAACTTCTAAGTTTCCCCTTG[G>A]CATCTTAAATAAATTAAAGCAGTAACATTTTTAATTAAGTAGAAAACATTTAAATAGCCA-3'
Protein context (NP_003631.2, residues 702-722): PQDTKLVLQM[Pro712Ser]RGNLEVVHHR

ClinVar aggregate classification (germline): Uncertain significance. Review status: criteria provided, multiple submitters, no conflicts (2 of 4 stars). 4 submissions from 4 submitters: Uncertain significance (3). 1 of the submissions does not count toward it. Last evaluated 2024-07-14.

Conditions:
Medulloblastoma (MDB). Also called: MEDULLOBLASTOMA PREDISPOSITION SYNDROME; Medulloblastoma, somatic. Identifiers: Orphanet 616, MedGen C0025149, MeSH D008527, MONDO:0007959, OMIM 155255, HP:0002885.
Familial dysautonomia. Also called: FD; HSAN III. Identifiers: Orphanet 1764, MedGen C0013364, MONDO:0009131, OMIM 223900. Disease mechanism: loss of function.

Allele frequency attached by ClinVar (database versions not stated): gnomAD exomes below 0.00001; TOPMed below 0.00001; gnomAD 0.00001.
gnomAD v4.1: 11 of 1,613,184 alleles (0.00068%); highest among the groups gnomAD compares: East Asian, 0.0022%; no homozygotes.

Submissions (4):

Ambry Genetics
Classification: Uncertain significance. Last evaluated: 2024-07-14. Review status: criteria provided, single submitter. Criteria: Ambry Variant Classification Scheme 2023. Collection method: clinical testing. Allele origin: germline.

Labcorp Genetics (formerly Invitae), Labcorp
Classification: Uncertain significance. Last evaluated: 2022-07-11. Review status: criteria provided, single submitter. Criteria: Invitae Variant Classification Sherloc (09022015). Collection method: clinical testing. Allele origin: germline.
Comment: This sequence change replaces proline, which is neutral and non-polar, with serine, which is neutral and polar, at codon 712 of the ELP1 protein (p.Pro712Ser). This variant is present in population databases (rs370772658, gnomAD 0.002%). This variant has not been reported in the literature in individuals affected with ELP1-related conditions. ClinVar contains an entry for this variant (Variation ID: 572554). Algorithms developed to predict the effect of missense changes on protein structure and function are either unavailable or do not agree on the potential impact of this missense change (SIFT: "Tolerated"; PolyPhen-2: "Probably Damaging"; Align-GVGD: "Class C0"). In summary, the available evidence is currently insufficient to determine the role of this variant in disease. Therefore, it has been classified as a Variant of Uncertain Significance.

Fulgent Genetics
Classification: Uncertain significance for Medulloblastoma; Familial dysautonomia. Last evaluated: 2022-03-11. Review status: criteria provided, single submitter. Criteria: ACMG Guidelines, 2015. Collection method: clinical testing. Allele origin: unknown.

Natera, Inc.
Classification: Uncertain significance for Familial dysautonomia. Last evaluated: 2020-09-16. Review status: no assertion criteria provided. Collection method: clinical testing. Allele origin: germline. Not counted in ClinVar's aggregate classification.